The following is an entry in ClinVar:

NM_001363711.2(DUOX2):c.3708del (p.Ser1237fs)

Gene: DUOX2 (dual oxidase 2; minus strand). Cytogenetic location: 15q21.1.
Variant type: Deletion.
Coding change: c.3708del on transcript NM_001363711.2 (MANE Select); coding-DNA position 3708, one base deleted (C; older notation c.3708delC).
Protein change: p.Ser1237fs; shifts the reading frame from serine 1237.
Molecular consequence: frameshift variant.
Genome position (GRCh38, 1-based): chr15:45,097,377, G deleted on the plus strand (C on the coding strand, the reverse complement: DUOX2 is on the minus strand). VCF-style (leftmost placement, unchanged base first): chr15-45097376-TG-T. GRCh37 (hg19) VCF-style: chr15-45389574-TG-T.
Other names: c.3708del, p.Ser1237fs (NM_014080.5); short protein forms S1237fs.
Identifiers: ClinVar variation 4809068 (VCV004809068.1).

ClinVar aggregate classification (germline): Pathogenic (1 of 4 stars; one submission).

Submission:

Labcorp Genetics (formerly Invitae), Labcorp
Classification: Pathogenic. Last evaluated: 2025-12-16. Review status: criteria provided, single submitter. Criteria: Invitae Variant Classification Sherloc (09022015). Collection method: clinical testing. Allele origin: germline.
Comment: This sequence change creates a premature translational stop signal (p.Ser1237Alafs*4) in the DUOX2 gene. It is expected to result in an absent or disrupted protein product. Loss-of-function variants in DUOX2 are known to be pathogenic (PMID: 12110737, 18765513, 21565790, 24423310, 24735383). This variant is not present in population databases (gnomAD no frequency). This variant has not been reported in the literature in individuals affected with DUOX2-related conditions. For these reasons, this variant has been classified as Pathogenic.

Literature cited by the submitters: PubMed 12110737; PubMed 18765513; PubMed 21565790; PubMed 24423310; PubMed 24735383.